The following is an entry in ClinVar:

NR_023343.3(RNU4ATAC):n.8C>T

Genes: CLASP1 (cytoplasmic linker associated protein 1; minus strand), CLASP1-AS1 (CLASP1 antisense RNA 1; plus strand), RNU4ATAC (RNA, U4atac small nuclear; plus strand). Cytogenetic location: 2q14.2.
Variant type: single nucleotide variant.
Molecular consequence: intron variant (on NM_001395891.1).
Genome position: GRCh38 VCF-style: chr2-121530887-C-T. GRCh37 (hg19) VCF-style: chr2-122288463-C-T.
Other names: c.196-562G>A (NM_001142274.2, NM_015282.3, NM_001378003.1 and 5 more transcripts).
Identifiers: ClinVar variation 218086 (VCV000218086.19), dbSNP rs370715569, ClinGen allele CA210440.
Genomic context (GRCh38, chr2:121,530,887, plus strand): 5'-AACCCTACCAGGTATTGGCGCTTCCTGCTTGCAGCCCAGGGACTTTCTATTATAACCATC[C>T]TTTTCTTGGGGTTGCGCTACTGTCCAATGAGCGCATAGTGAGGGCAGTACTGCTAACGCC-3'

ClinVar aggregate classification (germline): Conflicting classifications of pathogenicity. Review status: criteria provided, conflicting classifications (1 of 4 stars). 11 submissions from 11 submitters: Pathogenic (3); Likely pathogenic (5); Uncertain significance (2). 1 of the submissions does not count toward it. Last evaluated 2026-01-21.

Conditions:
RNU4ATAC-related disorder. Also called: RNU4ATAC-related condition.
RNU4ATAC spectrum disorder. Also called: RNU4atac-opathy. Identifiers: MedGen CN377746, MONDO:0100558.
Microcephaly. Also called: Microcephaly (disease). Identifiers: MedGen C4551563, MONDO:0001149, HP:0000252.
Cardiomyopathy (CMYO). Also called: Cardiomyopathies. Identifiers: Orphanet 167848, MedGen C0878544, MONDO:0004994, HP:0001638. Inheritance: Various modes of inheritance.
Craniosynostosis syndrome. Also called: Craniosynostosis. Identifiers: Orphanet 1531, MedGen C0010278, MeSH D003398, MONDO:0015469, HP:0001363.
Neurodevelopmental delay. Identifiers: MedGen C4022738, HP:0012758.
Short stature. Identifiers: MedGen C0349588, HP:0004322.
Roifman syndrome (RFMN). Also called: SPONDYLOEPIPHYSEAL DYSPLASIA, RETINAL DYSTROPHY, AND ANTIBODY DEFICIENCY. Identifiers: Orphanet 353298, MedGen C1846059, MONDO:0014722, OMIM 616651.
Spondyloepiphyseal dysplasia congenita (SEDC). Also called: SED CONGENITA; SPONDYLOEPIPHYSEAL DYSPLASIA, CONGENITAL TYPE. Identifiers: Orphanet 94068, MedGen C2745959, MONDO:0008471, OMIM 183900.

Allele frequency attached by ClinVar (database versions not stated): gnomAD 0.00025; TOPMed 0.00035; ExAC 0.00037; 1000 Genomes Project 30x 0.00078; 1000 Genomes Project 0.00080.
gnomAD v4.1: 295 of 692,974 alleles (0.043%); highest among the groups gnomAD compares: Non-Finnish European, 0.054%; no homozygotes.

Submissions (11):

Labcorp Genetics (formerly Invitae), Labcorp
Classification: Pathogenic. Last evaluated: 2026-01-21. Review status: criteria provided, single submitter. Criteria: Invitae Variant Classification Sherloc (09022015). Collection method: clinical testing. Allele origin: germline.
Comment: This variant occurs in the RNU4ATAC gene, which encodes an RNA molecule that does not result in a protein product. This variant is present in population databases (rs370715569, gnomAD 0.05%). This variant has been observed in individual(s) with clinical features of RNU4ATAC-related conditions (PMID: 26522830; internal data). In at least one individual the data is consistent with being in trans (on the opposite chromosome) from a pathogenic variant. ClinVar contains an entry for this variant (Variation ID: 218086). Algorithms developed to predict the effect of variants on gene product structure and function are not available or were not evaluated for this variant. Functional studies have shown that this variant disrupts ncRNA function (PMID: 32628740). For these reasons, this variant has been classified as Pathogenic.

Institute of Human Genetics, University of Leipzig Medical Center
Classification: Likely pathogenic for Roifman syndrome. Last evaluated: 2025-10-06. Review status: criteria provided, single submitter. Criteria: ACMG Guidelines, 2015. Collection method: clinical testing. Allele origin: unknown. Inheritance: Autosomal recessive inheritance. Affected: yes.
Comment: Criteria applied: PM3_STR,PM2,PS3_SUP; Identified as compund heterozygous with NR_023343.1:n.37G>A

Broad Center for Mendelian Genomics, Broad Institute of MIT and Harvard
Classification: Likely pathogenic for RNU4ATAC spectrum disorder. Last evaluated: 2025-08-21. Review status: criteria provided, single submitter. Criteria: Ellingford et al. (Genome Med. 2022). Collection method: curation. Allele origin: germline. Inheritance: Autosomal recessive inheritance.
Comment: The heterozygous n.8C>T variant in RNU4ATAC was identified by our study, in the compound heterozygous state, in four individuals with RNU4ATAC spectrum disorder. This variant has also been reported in the literature in 2 individuals with RNU4ATAC spectrum disorder (PMID: 26522830, 35305867), and has been identified in 0.05% (204/378940) of European (non-Finnish) chromosomes by the Genome Aggregation Database (gnomAD; dbSNP rs370715569). Although this variant has been seen in the general population in a heterozygous state, its frequency is not high enough to rule out a pathogenic role. This variant has also been reported in ClinVar (VCV000218086.14) and has been interpreted as pathogenic/likely pathogenic by multiple submitters, and as a variant of uncertain significance by Laboratorio de Genetica e Diagnostico Molecular (Hospital Israelita Albert Einstein) and Women's Health and Genetics/Laboratory Corporation of America (LabCorp). Of the six affected individuals, at least two were compound heterozygotes that carried a reported pathogenic variant in trans, which increases the likelihood that the n.8C>T variant is pathogenic (VCV000218087.34, VCV000218085.40; PMID: 26522830). In vitro functional studies provide some evidence that the n.5A>C variant will impact splicing efficiency (PMID: 32628740). However, these types of assays may not accurately represent biological function. The n.8C>T variant is located in the Stem II loop region of RNU4ATAC where several other variants have been identified, suggesting that this variant is in a functional domain and supports pathogenicity (PMID: 26522830, 32628740). In summary, although additional studies are required to fully establish its clinical significance, this variant is likely pathogenic for autosomal recessive RNU4ATAC spectrum disorder. ACMG/AMP Criteria applied: PM3_strong, PM1, PS3_supporting (Richards 2015).

PreventionGenetics, part of Exact Sciences
Classification: Likely pathogenic for RNU4ATAC-related condition. Last evaluated: 2025-03-28. Review status: criteria provided, single submitter. Criteria: ACMG Guidelines, 2015. Collection method: clinical testing. Allele origin: germline.
Comment: The RNU4ATAC n.8C>T is a noncoding alteration. This variant has been reported in the compound heterozygous state in an individual with Roifman syndrome (Subject 6, Kindred K4, Merico et al. 2015. PubMed ID: 26522830). This variant is located in an element of major importance for splicing and is classified as a Roifman syndrome causal variant (Figure 3, Merico et al. 2015. PubMed ID: 26522830). A different substitution affecting the same nucleotide (n.8C>A) has been reported in the compound heterozygous state in an individual with Lowry-Wood syndrome (Shelihan et al. 2018. PubMed ID: 30368667). This variant is reported in 0.054% of alleles in individuals of South Asian descent in gnomAD. This variant is interpreted as likely pathogenic.

Blueprint Genetics
Classification: Pathogenic for RNU4ATAC-related disorders. Last evaluated: 2024-10-09. Review status: criteria provided, single submitter. Criteria: ACMG Guidelines, 2015. Collection method: clinical testing. Allele origin: germline. Affected: yes. Observed: 5 variant alleles.

Department of Human Genetics, Hannover Medical School
Classification: Likely pathogenic for Roifman syndrome. Last evaluated: 2024-07-25. Review status: criteria provided, single submitter. Criteria: ACMG Guidelines, 2015. Collection method: clinical testing. Allele origin: germline. Inheritance: Autosomal recessive inheritance. Affected: yes.

3billion
Classification: Pathogenic for Roifman syndrome. Last evaluated: 2023-10-13. Review status: criteria provided, single submitter. Criteria: ACMG Guidelines, 2015. Collection method: clinical testing. Allele origin: germline. Affected: yes.
Comment: The variant is observed at an extremely low frequency in the gnomAD v2.1.1 dataset (total allele frequency: 0.036%). Predicted Consequence/Location: non-coding variant Functional studies provide strong evidence of the variant having a damaging effect on the gene or gene product (PMID: 26522830). The variant has been reported to be in trans with a pathogenic variant as either compound heterozygous or homozygous in at least one similarly affected unrelated individual (PMID: 26522830). The variant has been reported at least twice as pathogenic with clinical assertions and evidence for the classification (ClinVar ID: VCV000218086 /PMID: 26522830). Therefore, this variant is classified as Pathogenic according to the recommendation of ACMG/AMP guideline.

Women's Health and Genetics/Laboratory Corporation of America, LabCorp
Classification: Uncertain significance. Last evaluated: 2022-06-01. Review status: criteria provided, single submitter. Criteria: LabCorp Variant Classification Summary - May 2015. Collection method: clinical testing. Allele origin: germline.
Comment: Variant summary: RNU4ATAC n.8C>T alters a nucleotide in the non-coding RNA and located in Stem II region (n.3-n.19, element of major importance for splicing; Merico_2015) of RNU4ATAC. Additionally, Stem II, which base pair the U6atac, required to form the catalytically active minor spliceosome (PMID: 29263834). The variant allele was found at a frequency of 0.00039 in 129556 control chromosomes (gnomAD). n.8C>T has been reported in the literature in at least one compound heterozygous individual affected with Roifman Syndrome (Merico_2015) and one individual with RNU4ATAC-related conditions reported in one ClinVar lab. These data indicate that the variant may be associated with disease. At least one functional study reports this variant results in reducing splicing efficiency in transfected cells (Benoit-Pilven_2020). Five ClinVar submitters (evaluation after 2014) cite the variant as uncertain significance (n=1), likely pathogenic (n=3) and pathogenic (n=1). Based on the evidence outlined above, the variant was classified as VUS-possibly pathogenic.

Laboratorio de Genetica e Diagnostico Molecular, Hospital Israelita Albert Einstein
Classification: Uncertain significance for Craniosynostosis syndrome; Short stature; Microcephaly; Cardiomyopathy; Neurodevelopmental delay. Last evaluated: 2021-04-20. Review status: criteria provided, single submitter. Criteria: ACMG Guidelines, 2015. Collection method: clinical testing. Allele origin: germline. Affected: yes.
Comment: ACMG classification criteria: PS3 supporting, PM3

Center for Pediatric Genomic Medicine, Children's Mercy Hospital and Clinics
Classification: Likely pathogenic for Spondyloepiphyseal dysplasia. Last evaluated: 2020-03-04. Review status: criteria provided, single submitter. Criteria: ACMG Guidelines, 2015. Collection method: clinical testing. Allele origin: germline. Affected: yes.

OMIM
Classification: Pathogenic for ROIFMAN SYNDROME. Last evaluated: 2015-11-02. Review status: no assertion criteria provided. Collection method: literature only. Allele origin: germline. Not counted in ClinVar's aggregate classification.

Literature cited by the submitters: PubMed 26522830 (cited by 4 submitters); PubMed 32628740 (cited by Labcorp Genetics (formerly Invitae), Labcorp and Women's Health and Genetics/Laboratory Corporation of America, LabCorp); PubMed 28669401 (cited by Women's Health and Genetics/Laboratory Corporation of America, LabCorp).